The following is an entry in ClinVar:

NM_139315.3(TAF6):c.988C>T (p.Arg330Ter)

Gene: TAF6 (TATA-box binding protein associated factor 6; minus strand). Cytogenetic location: 7q22.1.
Variant type: single nucleotide variant.
Coding change: c.988C>T on transcript NM_139315.3 (MANE Select); coding-DNA position 988, C replaced by T.
Protein change: p.Arg330Ter; replaces arginine 330 with a stop codon.
Molecular consequence: nonsense. On other transcripts: non-coding transcript variant (1).
Genome position (GRCh38, 1-based): chr7:100,111,234, G>A on the plus strand (C>T on the coding strand, the complement: TAF6 is on the minus strand). VCF-style: chr7-100111234-G-A. GRCh37 (hg19) VCF-style: chr7-99708857-G-A.
Other names: c.1099C>T, p.Arg367Ter (NM_001190415.2); c.988C>T, p.Arg330Ter (NM_001364998.1, NM_001364999.1, NM_005641.4); c.958C>T, p.Arg320Ter (NM_001365000.1, NM_001365001.1, NM_001365002.1 and 1 more transcripts); c.1126C>T, p.Arg376Ter (NM_001365004.1); short protein forms R320*, R330*, R367*, R376*.
Identifiers: ClinVar variation 1702813 (VCV001702813.2), dbSNP rs749413487, ClinGen allele CA4375458.
Genomic context (GRCh38, chr7:100,111,234, plus strand): 5'-TGTTAGTGGTTGTGCTAAAATGCTTGCAGATCTGGGCCACCAGGCGGGCAGCAAAGTCTC[G>A]GAGTGCCCAGTGATTGTCCACATCTGGTCGCAGGCACAACTGTCTGCTCACGATGCAGGT-3'

ClinVar aggregate classification (germline): Uncertain significance (1 of 4 stars; one submission).

Allele frequency attached by ClinVar (database versions not stated): gnomAD exomes below 0.00001 and 0.00001; TOPMed below 0.00001; ExAC 0.00001.
gnomAD v4.1: 6 of 1,614,218 alleles (0.00037%); highest among the groups gnomAD compares: South Asian, 0.0011%; no homozygotes.

Submission:

GeneDx
Classification: Uncertain significance. Last evaluated: 2022-02-17. Review status: criteria provided, single submitter. Criteria: GeneDx Variant Classification Process June 2021. Collection method: clinical testing. Allele origin: germline. Affected: yes.
Comment: Nonsense variant predicted to result in protein truncation or nonsense mediated decay in a gene for which loss-of-function is not a known mechanism of disease; Has not been previously published as pathogenic or benign to our knowledge